The following is an entry in ClinVar:

NM_018979.4(WNK1):c.5279C>T (p.Pro1760Leu)

Gene: WNK1 (WNK lysine deficient protein kinase 1; plus strand). Cytogenetic location: 12p13.33.
Variant type: single nucleotide variant.
Coding change: c.5279C>T on transcript NM_018979.4 (MANE Select); coding-DNA position 5279, C replaced by T.
Protein change: p.Pro1760Leu; replaces proline 1760 with leucine.
Molecular consequence: missense variant.
Genome position (GRCh38, 1-based): chr12:886,083, C>T. VCF-style: chr12-886083-C-T. GRCh37 (hg19) VCF-style: chr12-995249-C-T.
Other names: c.6059C>T, p.Pro2020Leu (NM_001184985.2); c.4538C>T, p.Pro1513Leu (NM_014823.3); c.6035C>T, p.Pro2012Leu (NM_213655.5); c.5279C>T (NM_018979.3); short protein forms P1760L, P2020L, P1513L, P2012L.
Identifiers: ClinVar variation 841574 (VCV000841574.10), dbSNP rs141202956, ClinGen allele CA6383100.

ClinVar aggregate classification (germline): Uncertain significance. Review status: criteria provided, multiple submitters, no conflicts (2 of 4 stars). 3 submissions from 3 submitters: Uncertain significance (3). Last evaluated 2026-02-16.

Conditions:
WNK1-related disorder. Also called: WNK1-related condition.
Pseudohypoaldosteronism type 2C (PHA2C). Also called: Pseudohypoaldosteronism Type IIC. Identifiers: Orphanet 757, Orphanet 88940, MedGen C1840391, MONDO:0013778, OMIM 614492.
Neuropathy, hereditary sensory and autonomic, type 2A (HSAN2A). Also called: ACROOSTEOLYSIS, GIACCAI TYPE; ACROOSTEOLYSIS, NEUROGENIC; MORVAN DISEASE; WNK1-Related HSAN2 (HSAN2A); NEUROPATHY, CONGENITAL SENSORY; NEUROPATHY, HEREDITARY SENSORY RADICULAR, AUTOSOMAL RECESSIVE. Identifiers: Orphanet 970, MedGen C2752089, MONDO:0024309, OMIM 201300.

Allele frequency attached by ClinVar (database versions not stated): gnomAD exomes 0.00003 and 0.00005; ExAC 0.00005; ESP Exome Variant Server 0.00008; gnomAD 0.00015 and 0.00016; TOPMed 0.00020.
gnomAD v4.1: 65 of 1,605,602 alleles (0.004%); highest among the groups gnomAD compares: African/African-American, 0.038%; no homozygotes.

Submissions (3):

PreventionGenetics, part of Exact Sciences
Classification: Uncertain significance for WNK1-related condition. Last evaluated: 2026-02-16. Review status: criteria provided, single submitter. Criteria: ACMG Guidelines, 2015. Collection method: clinical testing. Allele origin: germline.
Comment: The WNK1 c.5279C>T variant is predicted to result in the amino acid substitution p.Pro1760Leu. To our knowledge, this variant has not been reported in the literature. This variant is reported in 0.033% of alleles in individuals of African descent in gnomAD. At this time, the clinical significance of this variant is uncertain due to the absence of conclusive functional and genetic evidence.

Labcorp Genetics (formerly Invitae), Labcorp
Classification: Uncertain significance for Neuropathy, hereditary sensory and autonomic, type 2A; Pseudohypoaldosteronism type 2C. Last evaluated: 2025-02-15. Review status: criteria provided, single submitter. Criteria: Invitae Variant Classification Sherloc (09022015). Collection method: clinical testing. Allele origin: germline.
Comment: This sequence change replaces proline, which is neutral and non-polar, with leucine, which is neutral and non-polar, at codon 2012 of the WNK1 protein (p.Pro2012Leu). This variant is present in population databases (rs141202956, gnomAD 0.03%). This variant has not been reported in the literature in individuals affected with WNK1-related conditions. ClinVar contains an entry for this variant (Variation ID: 841574). An algorithm developed to predict the effect of missense changes on protein structure and function outputs the following: PolyPhen-2: "Not Available". The leucine amino acid residue is found in multiple mammalian species, which suggests that this missense change does not adversely affect protein function. In summary, the available evidence is currently insufficient to determine the role of this variant in disease. Therefore, it has been classified as a Variant of Uncertain Significance.

Fulgent Genetics
Classification: Uncertain significance for Neuropathy, hereditary sensory and autonomic, type 2A; Pseudohypoaldosteronism type 2C. Last evaluated: 2024-05-28. Review status: criteria provided, single submitter. Criteria: ACMG Guidelines, 2015. Collection method: clinical testing. Allele origin: germline.